The following is an entry in ClinVar:

ClinVar aggregate classification (germline): Uncertain significance (1 of 4 stars; one submission).

Conditions:
Inborn genetic diseases. Identifiers: MedGen C0950123, MeSH D030342.

Submission:

Ambry Genetics
Classification: Uncertain significance for Inborn genetic diseases. Last evaluated: 2025-09-07. Review status: criteria provided, single submitter. Criteria: Ambry Variant Classification Scheme 2023. Collection method: clinical testing. Allele origin: germline.
Comment: The p.F558S variant (also known as c.1673T>C), located in coding exon 18 of the FANCA gene, results from a T to C substitution at nucleotide position 1673. The phenylalanine at codon 558 is replaced by serine, an amino acid with highly dissimilar properties. This amino acid position is conserved. In addition, this alteration is predicted to be deleterious by in silico analysis. Based on the available evidence, the clinical significance of this variant remains unclear.

NM_000135.4(FANCA):c.1673T>C (p.Phe558Ser)

Gene: FANCA (FA complementation group A; minus strand). Cytogenetic location: 16q24.3.
Variant type: single nucleotide variant.
Coding change: c.1673T>C on transcript NM_000135.4 (MANE Select); coding-DNA position 1673, T replaced by C.
Protein change: p.Phe558Ser; replaces phenylalanine 558 with serine.
Molecular consequence: missense variant.
Genome position (GRCh38, 1-based): chr16:89,779,911, A>G on the plus strand (T>C on the coding strand, the complement: FANCA is on the minus strand). VCF-style: chr16-89779911-A-G. GRCh37 (hg19) VCF-style: chr16-89846319-A-G.
Other names: c.1673T>C, p.Phe558Ser (NM_001286167.3); short protein forms F558S.
Identifiers: ClinVar variation 4254337 (VCV004254337.1).